The following is an entry in ClinVar:

ClinVar aggregate classification (germline): Uncertain significance. Review status: criteria provided, single submitter (1 of 4 stars). 2 submissions from 2 submitters: Uncertain significance (1). 1 of the submissions does not count toward it. Last evaluated 2024-05-15.

Conditions:
Leber congenital amaurosis (LCA). Also called: Leber's amaurosis. Identifiers: Orphanet 65, MedGen C0339527, MeSH D057130, MONDO:0018998.

Allele frequency attached by ClinVar (database versions not stated): gnomAD exomes 0.00001.
gnomAD v4.1: 3 of 1,613,008 alleles (0.00019%); highest among the groups gnomAD compares: Non-Finnish European, 0.00025%; no homozygotes.

Submissions (2):

Women's Health and Genetics/Laboratory Corporation of America, LabCorp
Classification: Uncertain significance. Last evaluated: 2024-05-15. Review status: criteria provided, single submitter. Criteria: LabCorp Variant Classification Summary - May 2015. Collection method: clinical testing. Allele origin: germline.
Comment: Variant summary: LCA5 c.1805C>G (p.Ala602Gly) results in a non-conservative amino acid change in the encoded protein sequence. Three of five in-silico tools predict a benign effect of the variant on protein function. The variant was absent in 250748 control chromosomes. The available data on variant occurrences in the general population are insufficient to allow any conclusion about variant significance. To our knowledge, no occurrence of c.1805C>G in individuals affected with Leber Congenital Amaurosis and no experimental evidence demonstrating its impact on protein function have been reported. ClinVar contains an entry for this variant (Variation ID: 992175). Based on the evidence outlined above, the variant was classified as uncertain significance.

Natera, Inc.
Classification: Uncertain significance for Leber congenital amaurosis. Last evaluated: 2020-09-04. Review status: no assertion criteria provided. Collection method: clinical testing. Allele origin: germline. Not counted in ClinVar's aggregate classification.

NM_001122769.3(LCA5):c.1805C>G (p.Ala602Gly)

Gene: LCA5 (lebercilin LCA5; minus strand). Cytogenetic location: 6q14.1.
Variant type: single nucleotide variant.
Coding change: c.1805C>G on transcript NM_001122769.3 (MANE Select); coding-DNA position 1805, C replaced by G.
Protein change: p.Ala602Gly; replaces alanine 602 with glycine.
Molecular consequence: missense variant.
Genome position (GRCh38, 1-based): chr6:79,487,293, G>C on the plus strand (C>G on the coding strand, the complement: LCA5 is on the minus strand). VCF-style: chr6-79487293-G-C. GRCh37 (hg19) VCF-style: chr6-80197010-G-C.
Other names: c.1805C>G, p.Ala602Gly (NM_181714.4); short protein forms A602G.
Identifiers: ClinVar variation 992175 (VCV000992175.2), dbSNP rs1769692203, ClinGen allele CA364638293.